The following is an entry in ClinVar:

NM_014319.5(LEMD3):c.230C>T (p.Ala77Val)

Gene: LEMD3 (LEM domain containing 3; plus strand). Cytogenetic location: 12q14.3.
Variant type: single nucleotide variant.
Coding change: c.230C>T on transcript NM_014319.5 (MANE Select); coding-DNA position 230, C replaced by T.
Protein change: p.Ala77Val; replaces alanine 77 with valine.
Molecular consequence: missense variant.
Genome position (GRCh38, 1-based): chr12:65,169,826, C>T. VCF-style: chr12-65169826-C-T. GRCh37 (hg19) VCF-style: chr12-65563606-C-T.
Other names: c.230C>T, p.Ala77Val (NM_001167614.2); short protein forms A77V.
Identifiers: ClinVar variation 2128078 (VCV002128078.4), dbSNP rs1868453563, ClinGen allele CA385672185.

ClinVar aggregate classification (germline): Uncertain significance (1 of 4 stars; one submission).

Submission:

Labcorp Genetics (formerly Invitae), Labcorp
Classification: Uncertain significance. Last evaluated: 2022-04-19. Review status: criteria provided, single submitter. Criteria: Invitae Variant Classification Sherloc (09022015). Collection method: clinical testing. Allele origin: germline.
Comment: This sequence change replaces alanine, which is neutral and non-polar, with valine, which is neutral and non-polar, at codon 77 of the LEMD3 protein (p.Ala77Val). This variant is not present in population databases (gnomAD no frequency). In summary, the available evidence is currently insufficient to determine the role of this variant in disease. Therefore, it has been classified as a Variant of Uncertain Significance. Algorithms developed to predict the effect of missense changes on protein structure and function output the following: SIFT: "Tolerated"; PolyPhen-2: "Benign"; Align-GVGD: "Class C0". The valine amino acid residue is found in multiple mammalian species, which suggests that this missense change does not adversely affect protein function. This variant has not been reported in the literature in individuals affected with LEMD3-related conditions.